The following is an entry in ClinVar:

ClinVar aggregate classification (germline): Uncertain significance. Review status: criteria provided, multiple submitters, no conflicts (2 of 4 stars). 2 submissions from 2 submitters: Uncertain significance (2). Last evaluated 2025-10-29.

Conditions:
Inborn genetic diseases. Identifiers: MedGen C0950123, MeSH D030342.

Allele frequency attached by ClinVar (database versions not stated): gnomAD exomes 0.00001; TOPMed 0.00003; gnomAD 0.00002.
gnomAD v4.1: 13 of 1,613,064 alleles (0.00081%); highest among the groups gnomAD compares: African/African-American, 0.0027%; no homozygotes.

Submissions (2):

Ambry Genetics
Classification: Uncertain significance for Inborn genetic diseases. Last evaluated: 2025-10-29. Review status: criteria provided, single submitter. Criteria: Ambry Variant Classification Scheme 2023. Collection method: clinical testing. Allele origin: germline.

Labcorp Genetics (formerly Invitae), Labcorp
Classification: Uncertain significance. Last evaluated: 2022-07-12. Review status: criteria provided, single submitter. Criteria: Invitae Variant Classification Sherloc (09022015). Collection method: clinical testing. Allele origin: germline.
Comment: This sequence change replaces leucine, which is neutral and non-polar, with glutamine, which is neutral and polar, at codon 445 of the TBCD protein (p.Leu445Gln). This variant is present in population databases (rs761436080, gnomAD 0.008%). This variant has not been reported in the literature in individuals affected with TBCD-related conditions. Algorithms developed to predict the effect of missense changes on protein structure and function output the following: SIFT: "Deleterious"; PolyPhen-2: "Benign"; Align-GVGD: "Class C0". The glutamine amino acid residue is found in multiple mammalian species, which suggests that this missense change does not adversely affect protein function. Algorithms developed to predict the effect of sequence changes on RNA splicing suggest that this variant may create or strengthen a splice site. In summary, the available evidence is currently insufficient to determine the role of this variant in disease. Therefore, it has been classified as a Variant of Uncertain Significance.

NM_005993.5(TBCD):c.1334T>A (p.Leu445Gln)

Gene: TBCD (tubulin folding cofactor D). Cytogenetic location: 17q25.3.
Variant type: single nucleotide variant.
Coding change: c.1334T>A on transcript NM_005993.5 (MANE Select); coding-DNA position 1334, T replaced by A.
Protein change: p.Leu445Gln; replaces leucine 445 with glutamine.
Molecular consequence: missense variant.
Genome position (GRCh38, 1-based): chr17:82,870,239, T>A. VCF-style: chr17-82870239-T-A. GRCh37 (hg19) VCF-style: chr17-80828115-T-A.
Other names: c.1334T>A (NM_005993.4); c.1283T>A, p.Leu428Gln (NM_001411101.1); c.1334T>A, p.Leu445Gln (NM_001411102.1); short protein forms L445Q, L428Q.
Identifiers: ClinVar variation 1896428 (VCV001896428.3), dbSNP rs761436080, ClinGen allele CA8862529.